The following is an entry in ClinVar:

ClinVar aggregate classification (germline): Benign/Likely benign. Review status: criteria provided, multiple submitters, no conflicts (2 of 4 stars). 3 submissions from 3 submitters: Benign (1); Likely benign (2). Last evaluated 2018-06-29.

Conditions:
Myostatin-related muscle hypertrophy (MSLHP). Also called: MUSCLE HYPERTROPHY. Identifiers: Orphanet 275534, MedGen C2931112, MONDO:0013598, OMIM 614160.

Allele frequency attached by ClinVar (database versions not stated): 1000 Genomes Project 30x 0.00125; gnomAD 0.00178 and 0.00188; ExAC 0.00305; TOPMed 0.00125; ESP Exome Variant Server 0.00185; gnomAD exomes 0.00258; 1000 Genomes Project 0.00140.
gnomAD v4.1: 3,543 of 1,612,950 alleles (0.22%); highest among the groups gnomAD compares: Non-Finnish European, 0.23%; 8 homozygotes.

Submissions (3):

Labcorp Genetics (formerly Invitae), Labcorp
Classification: Benign. Last evaluated: 2018-06-29. Review status: criteria provided, single submitter. Criteria: Invitae Variant Classification Sherloc (09022015). Collection method: clinical testing. Allele origin: germline.

Illumina Laboratory Services, Illumina
Classification: Likely benign for Myostatin-related muscle hypertrophy. Last evaluated: 2017-04-27. Review status: criteria provided, single submitter. Criteria: ICSL Variant Classification Criteria 13 December 2019. Collection method: clinical testing. Allele origin: germline.
Comment: This variant was observed as part of a predisposition screen in an ostensibly healthy population. A literature search was performed for the gene, cDNA change, and amino acid change (where applicable). Publications were found based on this search. The evidence from the literature, in combination with allele frequency data from public databases where available, was sufficient to determine this variant is unlikely to cause disease. Therefore, this variant is classified as likely benign.

Breakthrough Genomics
Classification: Likely benign. Review status: criteria provided, single submitter. Criteria: ACMG Guidelines, 2015. Collection method: not provided. Allele origin: germline. Inheritance: Autosomal recessive inheritance. Affected: yes.

Literature cited by the submitters: PubMed 11555072 (cited by Illumina Laboratory Services, Illumina); PubMed 10610713 (cited by Illumina Laboratory Services, Illumina).

NM_005259.3(MSTN):c.674T>C (p.Ile225Thr)

Genes: C2orf88 (chromosome 2 open reading frame 88; plus strand), MSTN (myostatin; minus strand). Cytogenetic location: 2q32.2.
Variant type: single nucleotide variant.
Coding change: c.674T>C on transcript NM_005259.3 (MANE Select); coding-DNA position 674, T replaced by C.
Protein change: p.Ile225Thr; replaces isoleucine 225 with threonine.
Molecular consequence: missense variant.
Genome position (GRCh38, 1-based): chr2:190,060,135, A>G on the plus strand (T>C on the coding strand, the complement: MSTN is on the minus strand). VCF-style: chr2-190060135-A-G. GRCh37 (hg19) VCF-style: chr2-190924861-A-G.
Other names: c.674T>C (LRG_200t1); short protein forms I225T.
Identifiers: ClinVar variation 333236 (VCV000333236.9), dbSNP rs143242500, ClinGen allele CA2027092.